The following is an entry in ClinVar:

ClinVar aggregate classification (germline): Pathogenic/Likely pathogenic. Review status: criteria provided, multiple submitters, no conflicts (2 of 4 stars). 3 submissions from 3 submitters: Pathogenic (1); Likely pathogenic (1). 1 of the submissions does not count toward it. Last evaluated 2023-03-10.

Conditions:
MERTK-related disorder. Also called: MERTK-related condition.
Retinitis pigmentosa (RP). Identifiers: Orphanet 791, MedGen C0035334, MeSH D012174, MONDO:0019200, OMIM 268000. Inheritance: Autosomal dominant, autosomal recessive and X linked inheritance.

Allele frequency attached by ClinVar (database versions not stated): TOPMed below 0.00001.
gnomAD v4.1: 12 of 1,610,874 alleles (0.00074%); highest among the groups gnomAD compares: Non-Finnish European, 0.001%; no homozygotes.

Submissions (3):

Blueprint Genetics
Classification: Pathogenic for MERTK-related disorders. Last evaluated: 2023-03-10. Review status: criteria provided, single submitter. Criteria: ACMG Guidelines, 2015. Collection method: clinical testing. Allele origin: germline. Affected: yes. Observed: 3 variant alleles.

GeneDx
Classification: Likely pathogenic. Last evaluated: 2018-05-15. Review status: criteria provided, single submitter. Criteria: GeneDx Variant Classification (06012015). Collection method: clinical testing. Allele origin: germline. Affected: yes.
Comment: The R687X variant in the MERTK gene has not been reported previously as a pathogenic variant nor as a benign variant, to our knowledge. This variant is predicted to cause loss of normal protein function either through protein truncation or nonsense-mediated mRNA decay. The R687X variant is not observed in large population cohorts (Lek et al., 2016). We interpret R687X as a likely pathogenic variant.

Gen-Eye Clinic, Grow Research Laboratory, Narayana Nethralaya
Classification: Likely pathogenic for Retinitis pigmentosa. Last evaluated: 2025-08-18. Review status: no assertion criteria provided. Collection method: clinical testing. Allele origin: germline. Affected: yes. Not counted in ClinVar's aggregate classification.

NM_006343.3(MERTK):c.2059C>T (p.Arg687Ter)

Gene: MERTK (MER proto-oncogene, tyrosine kinase; plus strand). Cytogenetic location: 2q13.
Variant type: single nucleotide variant.
Coding change: c.2059C>T on transcript NM_006343.3 (MANE Select); coding-DNA position 2059, C replaced by T.
Protein change: p.Arg687Ter; replaces arginine 687 with a stop codon.
Molecular consequence: nonsense.
Genome position (GRCh38, 1-based): chr2:112,010,046, C>T. VCF-style: chr2-112010046-C-T. GRCh37 (hg19) VCF-style: chr2-112767623-C-T.
Other names: short protein forms R687*.
Identifiers: ClinVar variation 546038 (VCV000546038.4), dbSNP rs1553458060, ClinGen allele CA348234198.